The following is an entry in ClinVar:

ClinVar aggregate classification (germline): Conflicting classifications of pathogenicity. Review status: criteria provided, conflicting classifications (1 of 4 stars). 3 submissions from 3 submitters: Uncertain significance (2); Likely benign (1). Last evaluated 2024-08-07.

Conditions:
Hereditary breast ovarian cancer syndrome. Also called: BRCA1- and BRCA2-Associated Hereditary Breast and Ovarian Cancer; Hereditary breast and ovarian cancer syndrome; Hereditary breast and ovarian cancer; Hereditary breast and ovarian cancer syndrome (HBOC); Breast and ovarian cancer; Hereditary breast and/or ovarian cancer syndrome. Identifiers: Orphanet 145, MedGen C0677776, MeSH D061325, MONDO:0003582. Disease mechanism: loss of function.
Hereditary cancer-predisposing syndrome. Also called: Neoplastic Syndromes, Hereditary; Tumor predisposition; Hereditary Cancer Syndrome; Hereditary neoplastic syndrome. Identifiers: Orphanet 140162, MedGen C0027672, MeSH D009386, MONDO:0015356.

Submissions (3):

Labcorp Genetics (formerly Invitae), Labcorp
Classification: Uncertain significance for Hereditary breast ovarian cancer syndrome. Last evaluated: 2024-08-07. Review status: criteria provided, single submitter. Criteria: Invitae Variant Classification Sherloc (09022015). Collection method: clinical testing. Allele origin: germline.
Comment: This sequence change replaces asparagine, which is neutral and polar, with aspartic acid, which is acidic and polar, at codon 1906 of the BRCA2 protein (p.Asn1906Asp). This variant is not present in population databases (gnomAD no frequency). This variant has not been reported in the literature in individuals affected with BRCA2-related conditions. ClinVar contains an entry for this variant (Variation ID: 920792). Advanced modeling of protein sequence and biophysical properties (such as structural, functional, and spatial information, amino acid conservation, physicochemical variation, residue mobility, and thermodynamic stability) performed at Invitae indicates that this missense variant is not expected to disrupt BRCA2 protein function with a negative predictive value of 95%. In summary, the available evidence is currently insufficient to determine the role of this variant in disease. Therefore, it has been classified as a Variant of Uncertain Significance.

University of Washington Department of Laboratory Medicine, University of Washington
Classification: Likely benign for Hereditary cancer-predisposing syndrome. Last evaluated: 2023-03-23. Review status: criteria provided, single submitter. Criteria: Dines et al. (Genet Med. 2020). Collection method: curation. Allele origin: germline.
Comment: Missense variant in a coldspot region where missense variants are very unlikely to be pathogenic (PMID:31911673).

BRCA2 exon 11 coldspot. Reclassification based on statistical prior probability.

Color Diagnostics, LLC DBA Color Health
Classification: Uncertain significance for Hereditary cancer-predisposing syndrome. Last evaluated: 2020-02-25. Review status: criteria provided, single submitter. Criteria: ACMG Guidelines, 2015. Collection method: clinical testing. Allele origin: germline.
Comment: This missense variant replaces asparagine with aspartic acid at codon 1906 of the BRCA2 protein. Computational prediction suggests that this variant may not impact protein structure and function (internally defined REVEL score threshold <= 0.5, PMID: 27666373). Splice site prediction tools suggest that this variant may not impact RNA splicing. To our knowledge, functional studies have not been performed for this variant. This variant has not been reported in individuals affected with hereditary cancer in the literature. This variant has not been identified in the general population by the Genome Aggregation Database (gnomAD). The available evidence is insufficient to determine the role of this variant in disease conclusively. Therefore, this variant is classified as a Variant of Uncertain Significance.

NM_000059.4(BRCA2):c.5716A>G (p.Asn1906Asp)

Gene: BRCA2 (BRCA2 DNA repair associated; plus strand). Cytogenetic location: 13q13.1.
Variant type: single nucleotide variant.
Coding change: c.5716A>G on transcript NM_000059.4 (MANE Select); coding-DNA position 5716, A replaced by G.
Protein change: p.Asn1906Asp; replaces asparagine 1906 with aspartic acid.
Molecular consequence: missense variant.
Genome position (GRCh38, 1-based): chr13:32,340,071, A>G. VCF-style: chr13-32340071-A-G. GRCh37 (hg19) VCF-style: chr13-32914208-A-G.
Other names: short protein forms N1906D.
Identifiers: ClinVar variation 920792 (VCV000920792.10), dbSNP rs2072536623, ClinGen allele CA387786808.